The following is an entry in ClinVar:

NM_001005242.3(PKP2):c.1691T>C (p.Val564Ala)

Gene: PKP2 (plakophilin 2; minus strand). Cytogenetic location: 12p11.21.
Variant type: single nucleotide variant.
Coding change: c.1691T>C on transcript NM_001005242.3 (MANE Select); coding-DNA position 1691, T replaced by C.
Protein change: p.Val564Ala; replaces valine 564 with alanine.
Molecular consequence: missense variant. On other transcripts: intron variant (1).
Genome position (GRCh38, 1-based): chr12:32,822,615, A>G on the plus strand (T>C on the coding strand, the complement: PKP2 is on the minus strand). VCF-style: chr12-32822615-A-G. GRCh37 (hg19) VCF-style: chr12-32975549-A-G.
Other names: c.1364T>C, p.Val455Ala (NM_001407159.1, NM_001407160.1, NM_001407162.1 and 1 more transcripts); c.1691T>C, p.Val564Ala (NM_001407161.1, NM_001407155.1); c.1823T>C, p.Val608Ala (NM_004572.4, NM_001407157.1); c.1675-1086T>C (NM_001407156.1); short protein forms V455A, V564A, V608A.
Identifiers: ClinVar variation 4861996 (VCV004861996.1).

ClinVar aggregate classification (germline): Uncertain significance (1 of 4 stars; one submission).

Conditions:
Cardiovascular phenotype. Identifiers: MedGen CN230736.

gnomAD v4.1: 1 of 1,614,130 alleles (0.000062%); highest among the groups gnomAD compares: Non-Finnish European, 0.000085%; no homozygotes.

Submission:

Ambry Genetics
Classification: Uncertain significance for Cardiovascular phenotype. Last evaluated: 2026-03-15. Review status: criteria provided, single submitter. Criteria: Ambry Variant Classification Scheme 2023. Collection method: clinical testing. Allele origin: germline.
Comment: The p.V608A variant (also known as c.1823T>C), located in coding exon 9 of the PKP2 gene, results from a T to C substitution at nucleotide position 1823. The valine at codon 608 is replaced by alanine, an amino acid with similar properties. This amino acid position is conserved. In addition, the in silico prediction for this alteration is inconclusive. Based on the available evidence, the clinical significance of this variant remains unclear.